The following is an entry in ClinVar:

NM_001284401.2(TAMM41):c.546C>T (p.Ala182=)

Gene: TAMM41 (TAM41 mitochondrial translocator assembly and maintenance homolog). Cytogenetic location: 3p25.2.
Variant type: single nucleotide variant.
Coding change: c.546C>T on transcript NM_001284401.2 (MANE Select); coding-DNA position 546, C replaced by T.
Protein change: p.Ala182=; no amino-acid change (alanine 182 retained).
Molecular consequence: synonymous variant. On other transcripts: non-coding transcript variant (10).
Genome position (GRCh38, 1-based): chr3:11,829,730, G>A on the plus strand (C>T on the coding strand, the complement: TAMM41 is on the minus strand). VCF-style: chr3-11829730-G-A. GRCh37 (hg19) VCF-style: chr3-11871204-G-A.
Other names: c.423C>T, p.Ala141= (NM_001321294.2); c.48C>T, p.Ala16= (NM_001321295.2); c.546C>T, p.Ala182= (NM_001366031.2, NM_001394474.1, NM_138807.4); c.546C>T (NM_001284401.1).
Identifiers: ClinVar variation 4820808 (VCV004820808.5).

ClinVar aggregate classification (germline): Likely benign. Review status: criteria provided, multiple submitters, no conflicts (2 of 4 stars). 2 submissions from 2 submitters: Likely benign (2). Last evaluated 2026-03-01.

Conditions:
TAMM41-related condition.

gnomAD v4.1: 5,153 of 1,614,078 alleles (0.32%); highest among the groups gnomAD compares: Non-Finnish European, 0.41%; 14 homozygotes.

Submissions (2):

CeGaT Center for Human Genetics Tuebingen
Classification: Likely benign. Last evaluated: 2026-03-01. Review status: criteria provided, single submitter. Criteria: CeGaT Center For Human Genetics Tuebingen Variant Classification Criteria Version 2. Collection method: clinical testing. Allele origin: germline. Affected: yes. Observed: 3 variant alleles.
Comment: TAMM41: BP4, BP7, BS2

PreventionGenetics, part of Exact Sciences
Classification: Likely benign for TAMM41-related condition. Last evaluated: 2025-05-05. Review status: criteria provided, single submitter. Criteria: ACMG Guidelines, 2015. Collection method: clinical testing. Allele origin: germline.
Comment: This variant is classified as likely benign based on ACMG/AMP sequence variant interpretation guidelines (Richards et al. 2015 PMID: 25741868, with internal and published modifications).